The following is an entry in ClinVar:

NM_003664.5(AP3B1):c.2809+4A>G

Gene: AP3B1 (adaptor related protein complex 3 subunit beta 1; minus strand). Cytogenetic location: 5q14.1.
Variant type: single nucleotide variant.
Coding change: c.2809+4A>G on transcript NM_003664.5 (MANE Select); 4 bases into the intron after coding-DNA position 2809, A replaced by G.
Molecular consequence: intron variant.
Genome position (GRCh38, 1-based): chr5:78,039,039, T>C on the plus strand (A>G on the coding strand, the complement: AP3B1 is on the minus strand). VCF-style: chr5-78039039-T-C. GRCh37 (hg19) VCF-style: chr5-77334863-T-C.
Other names: c.2662+4A>G (NM_001271769.2).
Identifiers: ClinVar variation 966756 (VCV000966756.29), dbSNP rs747843144, ClinGen allele CA3316677.

ClinVar aggregate classification (germline): Uncertain significance. Review status: criteria provided, multiple submitters, no conflicts (2 of 4 stars). 2 submissions from 2 submitters: Uncertain significance (2). Last evaluated 2022-07-29.

Conditions:
Hermansky-Pudlak syndrome 2 (HPS2). Also called: Platelet defects and oculocutaneous albinism. Identifiers: Orphanet 183678, Orphanet 79430, MedGen C1842362, MONDO:0011997, OMIM 608233.

Allele frequency attached by ClinVar (database versions not stated): ExAC below 0.00001; gnomAD exomes 0.00001.
gnomAD v4.1: 8 of 1,501,440 alleles (0.00053%); highest among the groups gnomAD compares: Non-Finnish European, 0.00065%; no homozygotes.

Submissions (2):

Labcorp Genetics (formerly Invitae), Labcorp
Classification: Uncertain significance for Hermansky-Pudlak syndrome 2. Last evaluated: 2022-07-29. Review status: criteria provided, single submitter. Criteria: Invitae Variant Classification Sherloc (09022015). Collection method: clinical testing. Allele origin: germline.
Comment: This sequence change falls in intron 23 of the AP3B1 gene. It does not directly change the encoded amino acid sequence of the AP3B1 protein. It affects a nucleotide within the consensus splice site. This variant is present in population databases (rs747843144, gnomAD 0.002%). This variant has not been reported in the literature in individuals affected with AP3B1-related conditions. ClinVar contains an entry for this variant (Variation ID: 966756). Variants that disrupt the consensus splice site are a relatively common cause of aberrant splicing (PMID: 17576681, 9536098). Algorithms developed to predict the effect of sequence changes on RNA splicing suggest that this variant may disrupt the consensus splice site. In summary, the available evidence is currently insufficient to determine the role of this variant in disease. Therefore, it has been classified as a Variant of Uncertain Significance.

CeGaT Center for Human Genetics Tuebingen
Classification: Uncertain significance. Last evaluated: 2022-04-01. Review status: criteria provided, single submitter. Criteria: CeGaT Center For Human Genetics Tuebingen Variant Classification Criteria Version 2. Collection method: clinical testing. Allele origin: germline. Affected: yes. Observed: 1 variant allele.
Comment: AP3B1: PM2, PP3

Literature cited by the submitters: PubMed 17576681 (cited by Labcorp Genetics (formerly Invitae), Labcorp); PubMed 9536098 (cited by Labcorp Genetics (formerly Invitae), Labcorp).